The following is an entry in ClinVar:

NM_016333.4(SRRM2):c.1682G>C (p.Arg561Thr)

Gene: SRRM2 (serine/arginine repetitive matrix 2; plus strand). Cytogenetic location: 16p13.3.
Variant type: single nucleotide variant.
Coding change: c.1682G>C on transcript NM_016333.4 (MANE Select); coding-DNA position 1682, G replaced by C.
Protein change: p.Arg561Thr; replaces arginine 561 with threonine.
Molecular consequence: missense variant.
Genome position (GRCh38, 1-based): chr16:2,762,210, G>C. VCF-style: chr16-2762210-G-C. GRCh37 (hg19) VCF-style: chr16-2812211-G-C.
Other names: short protein forms R561T.
Identifiers: ClinVar variation 5010039 (VCV005010039.1).
Genomic context (GRCh38, chr16:2,762,210, plus strand): 5'-GCTGGTCTAGGAGCAGAAATACCCAGAGAAGAGGCAGGTCTAGGTCAGCAAGGCGAGGGA[G>C]GTCCCACTCTAGATCCCCAGCCACTAGGGGTAGATCTCGTTCTAGAACACCAGCCCGCCG-3'
Protein context (NP_057417.3, residues 551-571): RGRSRSARRG[Arg561Thr]SHSRSPATRG

ClinVar aggregate classification (germline): Uncertain significance (1 of 4 stars; one submission).

gnomAD v4.1: 1 of 1,614,098 alleles (0.000062%); highest among the groups gnomAD compares: South Asian, 0.0011%; no homozygotes.

Submission:

GeneDx
Classification: Uncertain significance. Last evaluated: 2026-02-23. Review status: criteria provided, single submitter. Criteria: GeneDx Variant Classification Process June 2021. Collection method: clinical testing. Allele origin: germline.
Comment: Not observed at significant frequency in large population cohorts (gnomAD); In silico analysis supports that this missense variant has a deleterious effect on protein structure/function; Has not been previously published as pathogenic or benign to our knowledge